The following is an entry in ClinVar:

ClinVar aggregate classification (germline): Conflicting classifications of pathogenicity. Review status: criteria provided, conflicting classifications (1 of 4 stars). 3 submissions from 3 submitters: Likely pathogenic (1); Uncertain significance (2). Last evaluated 2025-08-20.

Conditions:
Neuronal ceroid lipofuscinosis 1 (CLN1). Also called: CEROID LIPOFUSCINOSIS, NEURONAL, 1, VARIABLE AGE AT ONSET; PPT1-Related Neuronal Ceroid-Lipofuscinosis. Identifiers: Orphanet 228329, MedGen C1850451, MONDO:0009744, OMIM 256730.
Inborn genetic diseases. Identifiers: MedGen C0950123, MeSH D030342.

Allele frequency attached by ClinVar (database versions not stated): gnomAD exomes below 0.00001; TOPMed 0.00002.

Submissions (3):

Ambry Genetics
Classification: Uncertain significance for Inborn genetic diseases. Last evaluated: 2025-08-20. Review status: criteria provided, single submitter. Criteria: Ambry Variant Classification Scheme 2023. Collection method: clinical testing. Allele origin: germline.

Women's Health and Genetics/Laboratory Corporation of America, LabCorp
Classification: Uncertain significance. Last evaluated: 2025-07-31. Review status: criteria provided, single submitter. Criteria: LabCorp Variant Classification Summary - May 2015. Collection method: clinical testing. Allele origin: germline.
Comment: Variant summary: PPT1 c.749G>A (p.Gly250Asp) results in a non-conservative amino acid change in the encoded protein sequence. Algorithms developed to predict the effect of missense changes on protein structure and function all suggest that this variant is likely to be disruptive. The variant was absent in 251402 control chromosomes. The available data on variant occurrences in the general population are insufficient to allow any conclusion about variant significance. To our knowledge, no occurrence of c.749G>A in individuals affected with Neuronal Ceroid-Lipofuscinosis (Batten Disease) and no experimental evidence demonstrating its impact on protein function have been reported. ClinVar contains an entry for this variant (Variation ID: 861676). Based on the evidence outlined above, the variant was classified as uncertain significance.

Labcorp Genetics (formerly Invitae), Labcorp
Classification: Likely pathogenic for Neuronal ceroid lipofuscinosis 1. Last evaluated: 2023-07-25. Review status: criteria provided, single submitter. Criteria: Invitae Variant Classification Sherloc (09022015). Collection method: clinical testing. Allele origin: germline.
Comment: ClinVar contains an entry for this variant (Variation ID: 861676). This sequence change replaces glycine, which is neutral and non-polar, with aspartic acid, which is acidic and polar, at codon 250 of the PPT1 protein (p.Gly250Asp). This variant is not present in population databases (gnomAD no frequency). This variant has not been reported in the literature in individuals affected with PPT1-related conditions. Advanced modeling of protein sequence and biophysical properties (such as structural, functional, and spatial information, amino acid conservation, physicochemical variation, residue mobility, and thermodynamic stability) performed at Invitae indicates that this missense variant is expected to disrupt PPT1 protein function. This variant disrupts the p.Gly250 amino acid residue in PPT1. Other variant(s) that disrupt this residue have been determined to be pathogenic (PMID: 9664077, 11440996). This suggests that this residue is clinically significant, and that variants that disrupt this residue are likely to be disease-causing. In summary, the currently available evidence indicates that the variant is pathogenic, but additional data are needed to prove that conclusively. Therefore, this variant has been classified as Likely Pathogenic.

Literature cited by the submitters: PubMed 9664077 (cited by Labcorp Genetics (formerly Invitae), Labcorp); PubMed 11440996 (cited by Labcorp Genetics (formerly Invitae), Labcorp).

NM_000310.4(PPT1):c.749G>A (p.Gly250Asp)

Gene: PPT1 (palmitoyl-protein thioesterase 1; minus strand). Cytogenetic location: 1p34.2.
Variant type: single nucleotide variant.
Coding change: c.749G>A on transcript NM_000310.4 (MANE Select); coding-DNA position 749, G replaced by A.
Protein change: p.Gly250Asp; replaces glycine 250 with aspartic acid.
Molecular consequence: missense variant. On other transcripts: intron variant (1).
Genome position (GRCh38, 1-based): chr1:40,076,891, C>T on the plus strand (G>A on the coding strand, the complement: PPT1 is on the minus strand). VCF-style: chr1-40076891-C-T. GRCh37 (hg19) VCF-style: chr1-40542563-C-T.
Other names: c.440G>A, p.Gly147Asp (NM_001142604.2); c.726+1669G>A (NM_001363695.2); short protein forms G147D, G250D.
Identifiers: ClinVar variation 861676 (VCV000861676.9), dbSNP rs386833666, ClinGen allele CA339846457.
Genomic context (GRCh38, chr1:40,076,891, plus strand): 5'-CTGCCAGTTACCTGTGTGTACAGGGAGGTCTCCTGTAAGGGAATGGTTTCCTTGGCTTGG[C>T]CACTTCTGTAAAATCCAAACCACTGCAGAAGAAGCAAAGGAAAGAAGCTCAGATATGACA-3'
Protein context (NP_000301.1, residues 240-260): DSEWFGFYRS[Gly250Asp]QAKETIPLQE